The following is an entry in ClinVar:

NM_007255.3(B4GALT7):c.387C>T (p.Tyr129=)

Gene: B4GALT7 (beta-1,4-galactosyltransferase 7; plus strand). Cytogenetic location: 5q35.3.
Variant type: single nucleotide variant.
Coding change: c.387C>T on transcript NM_007255.3 (MANE Select); coding-DNA position 387, C replaced by T.
Protein change: p.Tyr129=; no amino-acid change (tyrosine 129 retained).
Molecular consequence: synonymous variant.
Genome position (GRCh38, 1-based): chr5:177,604,515, C>T. VCF-style: chr5-177604515-C-T. GRCh37 (hg19) VCF-style: chr5-177031516-C-T.
Other names: p.Tyr129=.
Identifiers: ClinVar variation 390360 (VCV000390360.55), dbSNP rs200124872, ClinGen allele CA3586458.

ClinVar aggregate classification (germline): Likely benign. Review status: criteria provided, multiple submitters, no conflicts (2 of 4 stars). 7 submissions from 7 submitters: Likely benign (6). 1 of the submissions does not count toward it. Last evaluated 2026-03-01.

Conditions:
B4GALT7-related disorder. Also called: B4GALT7-related condition.
Spondylodysplastic Ehlers-Danlos syndrome. Identifiers: Orphanet 536471, Orphanet 75496, MedGen C5680154, MONDO:0007526.

Allele frequency attached by ClinVar (database versions not stated): gnomAD 0.00048 and 0.00047; ExAC 0.00059; 1000 Genomes Project 0.00060; TOPMed 0.00065; gnomAD exomes 0.00069 and 0.00032; 1000 Genomes Project 30x 0.00078; ESP Exome Variant Server 0.00031.
gnomAD v4.1: 586 of 1,613,884 alleles (0.036%); highest among the groups gnomAD compares: Middle Eastern, 0.13%; 1 homozygote.

Submissions (7):

CeGaT Center for Human Genetics Tuebingen
Classification: Likely benign. Last evaluated: 2026-03-01. Review status: criteria provided, single submitter. Criteria: CeGaT Center For Human Genetics Tuebingen Variant Classification Criteria Version 2. Collection method: clinical testing. Allele origin: germline. Affected: yes. Observed: 2 variant alleles.
Comment: B4GALT7: BP4, BP7

Labcorp Genetics (formerly Invitae), Labcorp
Classification: Likely benign for Spondylodysplastic Ehlers-Danlos syndrome. Last evaluated: 2026-02-01. Review status: criteria provided, single submitter. Criteria: Invitae Variant Classification Sherloc (09022015). Collection method: clinical testing. Allele origin: germline.

Women's Health and Genetics/Laboratory Corporation of America, LabCorp
Classification: Likely benign. Last evaluated: 2025-03-10. Review status: criteria provided, single submitter. Criteria: LabCorp Variant Classification Summary - May 2015. Collection method: clinical testing. Allele origin: germline.

Blueprint Genetics
Classification: Likely benign. Last evaluated: 2024-11-26. Review status: criteria provided, single submitter. Criteria: ACMG Guidelines, 2015. Collection method: clinical testing. Allele origin: germline.

Mayo Clinic Laboratories, Mayo Clinic
Classification: Likely benign. Last evaluated: 2024-11-14. Review status: criteria provided, single submitter. Criteria: ACMG Guidelines, 2015. Collection method: clinical testing. Allele origin: germline. Observed: 2 variant alleles.
Comment: BP4, BP7

GeneDx
Classification: Likely benign. Last evaluated: 2021-01-07. Review status: criteria provided, single submitter. Criteria: GeneDx Variant Classification Process June 2021. Collection method: clinical testing. Allele origin: germline. Affected: yes.

PreventionGenetics, part of Exact Sciences
Classification: Benign for B4GALT7-related condition. Last evaluated: 2019-06-03. Review status: no assertion criteria provided. Collection method: clinical testing. Allele origin: germline. Not counted in ClinVar's aggregate classification.
Comment: This variant is classified as benign based on ACMG/AMP sequence variant interpretation guidelines (Richards et al. 2015 PMID: 25741868, with internal and published modifications).